The following is an entry in ClinVar:

NM_144687.4(NLRP12):c.1132T>C (p.Phe378Leu)

Gene: NLRP12 (NLR family pyrin domain containing 12; minus strand). Cytogenetic location: 19q13.42.
Variant type: single nucleotide variant.
Coding change: c.1132T>C on transcript NM_144687.4 (MANE Select); coding-DNA position 1132, T replaced by C.
Protein change: p.Phe378Leu; replaces phenylalanine 378 with leucine.
Molecular consequence: missense variant.
Genome position (GRCh38, 1-based): chr19:53,810,527, A>G on the plus strand (T>C on the coding strand, the complement: NLRP12 is on the minus strand). VCF-style: chr19-53810527-A-G. GRCh37 (hg19) VCF-style: chr19-54313781-A-G.
Other names: c.1132T>C, p.Phe378Leu (NM_001277126.2, NM_001277129.1); short protein forms F378L.
Identifiers: ClinVar variation 1708618 (VCV001708618.5), dbSNP rs2514343662, ClinGen allele CA407414725.

ClinVar aggregate classification (germline): Uncertain significance. Review status: criteria provided, multiple submitters, no conflicts (2 of 4 stars). 2 submissions from 2 submitters: Uncertain significance (2). Last evaluated 2023-05-20.

Conditions:
Familial cold autoinflammatory syndrome 2 (FCAS2). Identifiers: Orphanet 247868, MedGen C2673198, MONDO:0012724, OMIM 611762.

Allele frequency attached by ClinVar (database versions not stated): gnomAD exomes below 0.00001.
gnomAD v4.1: 2 of 1,614,092 alleles (0.00012%); highest among the groups gnomAD compares: Middle Eastern, 0.016%; no homozygotes.

Submissions (2):

Labcorp Genetics (formerly Invitae), Labcorp
Classification: Uncertain significance for Familial cold autoinflammatory syndrome 2. Last evaluated: 2023-05-20. Review status: criteria provided, single submitter. Criteria: Invitae Variant Classification Sherloc (09022015). Collection method: clinical testing. Allele origin: germline.
Comment: ClinVar contains an entry for this variant (Variation ID: 1708618). This variant has not been reported in the literature in individuals affected with NLRP12-related conditions. Advanced modeling of protein sequence and biophysical properties (such as structural, functional, and spatial information, amino acid conservation, physicochemical variation, residue mobility, and thermodynamic stability) has been performed at Invitae for this missense variant, however the output from this modeling did not meet the statistical confidence thresholds required to predict the impact of this variant on NLRP12 protein function. In summary, the available evidence is currently insufficient to determine the role of this variant in disease. Therefore, it has been classified as a Variant of Uncertain Significance. This sequence change replaces phenylalanine, which is neutral and non-polar, with leucine, which is neutral and non-polar, at codon 378 of the NLRP12 protein (p.Phe378Leu). This variant is not present in population databases (gnomAD no frequency).

GeneDx
Classification: Uncertain significance. Last evaluated: 2022-04-05. Review status: criteria provided, single submitter. Criteria: GeneDx Variant Classification Process June 2021. Collection method: clinical testing. Allele origin: germline. Affected: yes.
Comment: Not observed at significant frequency in large population cohorts (gnomAD); In silico analysis supports that this missense variant has a deleterious effect on protein structure/function; Has not been previously published as pathogenic or benign to our knowledge